The following is an entry in ClinVar:

ClinVar aggregate classification (germline): Uncertain significance (1 of 4 stars; one submission).

Allele frequency attached by ClinVar (database versions not stated): gnomAD 0.00001; gnomAD exomes 0.00001 and 0.00002; ExAC 0.00003.
gnomAD v4.1: 15 of 1,613,818 alleles (0.00093%); highest among the groups gnomAD compares: East Asian, 0.0045%; no homozygotes.

Submission:

Labcorp Genetics (formerly Invitae), Labcorp
Classification: Uncertain significance. Last evaluated: 2021-08-22. Review status: criteria provided, single submitter. Criteria: Invitae Variant Classification Sherloc (09022015). Collection method: clinical testing. Allele origin: germline.
Comment: In summary, the available evidence is currently insufficient to determine the role of this variant in disease. Therefore, it has been classified as a Variant of Uncertain Significance. Algorithms developed to predict the effect of missense changes on protein structure and function output the following: SIFT: "Tolerated"; PolyPhen-2: "Benign"; Align-GVGD: "Class C0". The cysteine amino acid residue is found in multiple mammalian species, which suggests that this missense change does not adversely affect protein function. This variant has not been reported in the literature in individuals affected with DCHS1-related conditions. This variant is present in population databases (rs763347261, ExAC 0.02%). This sequence change replaces arginine with cysteine at codon 161 of the DCHS1 protein (p.Arg161Cys). The arginine residue is moderately conserved and there is a large physicochemical difference between arginine and cysteine.

NM_003737.4(DCHS1):c.481C>T (p.Arg161Cys)

Gene: DCHS1 (dachsous cadherin-related 1; minus strand). Cytogenetic location: 11p15.4.
Variant type: single nucleotide variant.
Coding change: c.481C>T on transcript NM_003737.4 (MANE Select); coding-DNA position 481, C replaced by T.
Protein change: p.Arg161Cys; replaces arginine 161 with cysteine.
Molecular consequence: missense variant.
Genome position (GRCh38, 1-based): chr11:6,641,133, G>A on the plus strand (C>T on the coding strand, the complement: DCHS1 is on the minus strand). VCF-style: chr11-6641133-G-A. GRCh37 (hg19) VCF-style: chr11-6662364-G-A.
Other names: short protein forms R161C.
Identifiers: ClinVar variation 1471172 (VCV001471172.6), dbSNP rs763347261, ClinGen allele CA5861149.